The following is an entry in ClinVar:

ClinVar aggregate classification (germline): Uncertain significance (1 of 4 stars; one submission).

Conditions:
Joubert syndrome. Also called: CEREBELLOPARENCHYMAL DISORDER IV; JOUBERT-BOLTSHAUSER SYNDROME; Familial aplasia of the vermis. Identifiers: Orphanet 475, MedGen C5979921, MONDO:0018772.

Submission:

Labcorp Genetics (formerly Invitae), Labcorp
Classification: Uncertain significance for Joubert syndrome. Last evaluated: 2022-07-23. Review status: criteria provided, single submitter. Criteria: Invitae Variant Classification Sherloc (09022015). Collection method: clinical testing. Allele origin: germline.
Comment: This sequence change replaces cysteine, which is neutral and slightly polar, with arginine, which is basic and polar, at codon 245 of the INPP5E protein (p.Cys245Arg). This variant is not present in population databases (gnomAD no frequency). This variant has not been reported in the literature in individuals affected with INPP5E-related conditions. Advanced modeling of protein sequence and biophysical properties (such as structural, functional, and spatial information, amino acid conservation, physicochemical variation, residue mobility, and thermodynamic stability) performed at Invitae indicates that this missense variant is not expected to disrupt INPP5E protein function. In summary, the available evidence is currently insufficient to determine the role of this variant in disease. Therefore, it has been classified as a Variant of Uncertain Significance.

NM_019892.6(INPP5E):c.733T>C (p.Cys245Arg)

Gene: INPP5E (inositol polyphosphate-5-phosphatase E; minus strand). Cytogenetic location: 9q34.3.
Variant type: single nucleotide variant.
Coding change: c.733T>C on transcript NM_019892.6 (MANE Select); coding-DNA position 733, T replaced by C.
Protein change: p.Cys245Arg; replaces cysteine 245 with arginine.
Molecular consequence: missense variant.
Genome position (GRCh38, 1-based): chr9:136,438,687, A>G on the plus strand (T>C on the coding strand, the complement: INPP5E is on the minus strand). VCF-style: chr9-136438687-A-G. GRCh37 (hg19) VCF-style: chr9-139333139-A-G.
Other names: c.733T>C, p.Cys245Arg (NM_001318502.2); short protein forms C245R.
Identifiers: ClinVar variation 1714451 (VCV001714451.3), dbSNP rs2538891999, ClinGen allele CA375567819.